The following is an entry in ClinVar:

ClinVar aggregate classification (germline): Uncertain significance (1 of 4 stars; one submission).

Conditions:
SEMA3G-related disorder. Also called: SEMA3G-related condition.

gnomAD v4.1: 12 of 1,613,908 alleles (0.00074%); highest among the groups gnomAD compares: Admixed American, 0.0033%; no homozygotes.

Submission:

PreventionGenetics, part of Exact Sciences
Classification: Uncertain significance for SEMA3G-related condition. Last evaluated: 2024-12-30. Review status: criteria provided, single submitter. Criteria: ACMG Guidelines, 2015. Collection method: clinical testing. Allele origin: germline.
Comment: The SEMA3G c.2084G>A variant is predicted to result in the amino acid substitution p.Arg695Gln. To our knowledge, this variant has not been reported in the literature. This variant is reported in 0.0097% of alleles in individuals of Ashkenazi Jewish descent in gnomAD. At this time, the clinical significance of this variant is uncertain due to the absence of conclusive functional and genetic evidence.

NM_020163.3(SEMA3G):c.2084G>A (p.Arg695Gln)

Gene: SEMA3G (semaphorin 3G; minus strand). Cytogenetic location: 3p21.1.
Variant type: single nucleotide variant.
Coding change: c.2084G>A on transcript NM_020163.3 (MANE Select); coding-DNA position 2084, G replaced by A.
Protein change: p.Arg695Gln; replaces arginine 695 with glutamine.
Molecular consequence: missense variant.
Genome position (GRCh38, 1-based): chr3:52,435,868, C>T on the plus strand (G>A on the coding strand, the complement: SEMA3G is on the minus strand). VCF-style: chr3-52435868-C-T. GRCh37 (hg19) VCF-style: chr3-52469884-C-T.
Other names: short protein forms R695Q.
Identifiers: ClinVar variation 4986794 (VCV004986794.1).